The following is an entry in ClinVar:

NM_001034853.2(RPGR):c.3308_3309del (p.Tyr1103fs)

Gene: RPGR (retinitis pigmentosa GTPase regulator; minus strand). Cytogenetic location: Xp11.4.
Variant type: Microsatellite.
Coding change: c.3308_3309del on transcript NM_001034853.2 (MANE Select); coding-DNA positions 3308 to 3309, 2 bases deleted (AT; older notation c.3308_3309delAT).
Protein change: p.Tyr1103fs; shifts the reading frame from tyrosine 1103.
Molecular consequence: frameshift variant. On other transcripts: intron variant (8).
Genome position (GRCh38, 1-based): chrX:38,285,690-38,285,691, AT deleted on the plus strand (AT on the coding strand, the reverse complement: RPGR is on the minus strand); deleting any 2 consecutive bases within chrX:38,285,690-38,285,693 gives the same sequence; the c. name uses the placement nearest the transcript's 3' end. VCF-style (leftmost placement, unchanged base first): chrX-38285689-GAT-G. GRCh37 (hg19) VCF-style: chrX-38144942-GAT-G.
Other names: NM_001034853.2(RPGR):c.3308_3309del; p.Tyr1103fs; c.1569+5268_1569+5269del (NM_001367249.1, NM_001367250.1); c.1902+1403_1902+1404del (NM_001367245.1); c.1386+5268_1386+5269del (NM_001367251.1); c.1719+1403_1719+1404del (NM_001367246.1); c.1572+5268_1572+5269del (NM_001367247.1); c.1905+1403_1905+1404del (NM_000328.3); and 1 more; short protein forms Y1103fs.
Identifiers: ClinVar variation 1802283 (VCV001802283.3), dbSNP rs2519780275, ClinGen allele CA2580616967.

ClinVar aggregate classification (germline): Pathogenic. Review status: reviewed by expert panel (3 of 4 stars). 2 submissions from 2 submitters: Pathogenic (1). 1 of the submissions does not count toward it. Last evaluated 2025-09-07.

Conditions:
RPGR-related retinopathy. Also called: RPGR retinopathy. Identifiers: MedGen CN305589, MONDO:0100437.

Submissions (2):

ClinGen X-linked Inherited Retinal Disease Variant Curation Expert Panel, ClinGen
Classification: Pathogenic for RPGR-related retinopathy. Last evaluated: 2025-09-07. Review status: reviewed by expert panel. Criteria: ClinGen X LinkedIRD ACMG Specifications RPGR V1.0.0. Collection method: curation. Allele origin: germline. Inheritance: X-linked inheritance.
Comment: NM_001034853.2(RPGR):c.3308_3309del (p.Tyr1103fs) is a frameshift variant due to a 2-nucleotide deletion introducing a premature stop codon within exon 15 of 15, which is predicted to disrupt a critical C-terminal region required for proper glutamylation of RPGR (PVS1, PMID: 36445968). This variant is absent from gnomAD v4.1.0 (PM2_Supporting). This variant has been reported in at least 2 apparently unrelated probands meeting one of the PS4 requirements of a male with some functional vision impairment by age 30 years and/or decreased or absent electroretinogram responses, or a female with functional visual abnormality and documentation of a male relative affected with retinitis pigmentosa (PMIDs: 36445968, 31645972, PS4_Supporting). In summary, this variant is classified as pathogenic for RPGR-related retinopathy based on the ClinGen X-linked Inherited Retinal Disease Expert Panel Specifications to the ACMG/AMP Variant Interpretation Guidelines for RPGR Version 1.0.0; PVS1, PM2_Supporting, and PS4_Supporting.

PreventionGenetics, part of Exact Sciences
Classification: Pathogenic. Last evaluated: 2012-12-20. Review status: criteria provided, single submitter. Criteria: ACMG Guidelines, 2015. Collection method: clinical testing. Allele origin: germline. Not counted in ClinVar's aggregate classification.